The following is an entry in ClinVar:

ClinVar aggregate classification (germline): Pathogenic (1 of 4 stars; one submission).

Conditions:
Ehlers-Danlos syndrome due to tenascin-X deficiency (EDSCLL1). Also called: EDS DUE TO TNX DEFICIENCY; TNX DEFICIENCY; Ehlers-Danlos syndrome, classic-like, 1; EHLERS-DANLOS SYNDROME, CLASSIC-LIKE; TNXB-Related Classical-Like Ehlers-Danlos Syndrome. Identifiers: Orphanet 230839, MedGen C1848029, MONDO:0011670, OMIM 606408.

Submission:

Myriad Genetics, Inc.
Classification: Pathogenic for Ehlers-Danlos syndrome due to tenascin-X deficiency. Last evaluated: 2026-03-01. Review status: criteria provided, single submitter. Criteria: Myriad Autosomal Dominant, Autosomal Recessive and X-Linked Classification Criteria (2023). Collection method: clinical testing. Allele origin: unknown.
Comment: NM_019105.6(TNXB):c.9862delG(D3288Tfs*19) is expected to be pathogenic in the context of classical-like Ehlers-Danlos syndrome, TNXB-related. This variant is predicted to lead to an abnormal or absent protein product due to the creation of a premature termination codon in TNXB, a gene where loss-of-function variants are known to be pathogenic. Please note: this variant was assessed in the context of healthy population screening.

NM_001365276.2(TNXB):c.9868del (p.Asp3290fs)

Gene: TNXB (tenascin XB; minus strand). Cytogenetic location: 6p21.33.
Variant type: Deletion.
Coding change: c.9868del on transcript NM_001365276.2 (MANE Select); coding-DNA position 9868, one base deleted (G; older notation c.9868delG).
Protein change: p.Asp3290fs; shifts the reading frame from aspartic acid 3290.
Molecular consequence: frameshift variant.
Genome position (GRCh38, 1-based): chr6:32,048,540, C deleted on the plus strand (G on the coding strand, the reverse complement: TNXB is on the minus strand). VCF-style (leftmost placement, unchanged base first): chr6-32048539-TC-T. GRCh37 (hg19) VCF-style: chr6-32016316-TC-T.
Other names: c.10609del, p.Asp3537fs (NM_001428335.1); c.9862del, p.Asp3288fs (NM_019105.8); short protein forms D3288fs, D3290fs, D3537fs.
Identifiers: ClinVar variation 5015622 (VCV005015622.1).